The following is an entry in ClinVar:

NM_002667.5(PLN):c.77A>G (p.Gln26Arg)

Genes: PLN (phospholamban; plus strand), CEP85L (centrosomal protein 85L; minus strand). Cytogenetic location: 6q22.31.
Variant type: single nucleotide variant.
Coding change: c.77A>G on transcript NM_002667.5 (MANE Select); coding-DNA position 77, A replaced by G.
Protein change: p.Gln26Arg; replaces glutamine 26 with arginine.
Molecular consequence: missense variant. On other transcripts: intron variant (3).
Genome position (GRCh38, 1-based): chr6:118,558,998, A>G. VCF-style: chr6-118558998-A-G. GRCh37 (hg19) VCF-style: chr6-118880161-A-G.
Other names: c.1029+6531T>C (NM_001178035.2); c.1020+6531T>C (NM_001042475.3, NM_206921.3); short protein forms Q26R.
Identifiers: ClinVar variation 3644697 (VCV003644697.2).

ClinVar aggregate classification (germline): Uncertain significance (1 of 4 stars; one submission).

Conditions:
Dilated cardiomyopathy 1P (CMD1P). Identifiers: Orphanet 154, MedGen C1835928, MONDO:0012362, OMIM 609909.

Submission:

Labcorp Genetics (formerly Invitae), Labcorp
Classification: Uncertain significance for Dilated cardiomyopathy 1P. Last evaluated: 2024-03-06. Review status: criteria provided, single submitter. Criteria: Invitae Variant Classification Sherloc (09022015). Collection method: clinical testing. Allele origin: germline.
Comment: This sequence change replaces glutamine, which is neutral and polar, with arginine, which is basic and polar, at codon 26 of the PLN protein (p.Gln26Arg). This variant is not present in population databases (gnomAD no frequency). This variant has not been reported in the literature in individuals affected with PLN-related conditions. An algorithm developed to predict the effect of missense changes on protein structure and function (PolyPhen-2) suggests that this variant is likely to be tolerated. In summary, the available evidence is currently insufficient to determine the role of this variant in disease. Therefore, it has been classified as a Variant of Uncertain Significance.